The following is an entry in ClinVar:

NM_001364905.1(LRBA):c.8443G>A (p.Ala2815Thr)

Gene: LRBA (LPS responsive beige-like anchor protein; minus strand). Cytogenetic location: 4q31.3.
Variant type: single nucleotide variant.
Coding change: c.8443G>A on transcript NM_001364905.1 (MANE Select); coding-DNA position 8443, G replaced by A.
Protein change: p.Ala2815Thr; replaces alanine 2815 with threonine.
Molecular consequence: missense variant.
Genome position (GRCh38, 1-based): chr4:150,277,878, C>T on the plus strand (G>A on the coding strand, the complement: LRBA is on the minus strand). VCF-style: chr4-150277878-C-T. GRCh37 (hg19) VCF-style: chr4-151199030-C-T.
Other names: c.8440G>A, p.Ala2814Thr (NM_001199282.3); c.8458G>A, p.Ala2820Thr (NM_001367550.1); c.8476G>A, p.Ala2826Thr (NM_006726.5); short protein forms A2820T, A2815T, A2826T, A2814T.
Identifiers: ClinVar variation 1484581 (VCV001484581.8), dbSNP rs779604273, ClinGen allele CA3101343.

ClinVar aggregate classification (germline): Uncertain significance (1 of 4 stars; one submission).

Conditions:
Combined immunodeficiency due to LRBA deficiency. Also called: Common variable immunodeficiency 8, with autoimmunity. Identifiers: Orphanet 445018, MedGen C3553512, MONDO:0013863, OMIM 614700.

Allele frequency attached by ClinVar (database versions not stated): ExAC 0.00001; gnomAD exomes 0.00001.
gnomAD v4.1: 3 of 1,614,118 alleles (0.00019%); highest among the groups gnomAD compares: Admixed American, 0.005%; no homozygotes.

Submission:

Labcorp Genetics (formerly Invitae), Labcorp
Classification: Uncertain significance for Combined immunodeficiency due to LRBA deficiency. Last evaluated: 2020-11-14. Review status: criteria provided, single submitter. Criteria: Invitae Variant Classification Sherloc (09022015). Collection method: clinical testing. Allele origin: germline.
Comment: This variant has not been reported in the literature in individuals with LRBA-related conditions. This variant is present in population databases (rs779604273, ExAC 0.009%). This sequence change replaces alanine with threonine at codon 2826 of the LRBA protein (p.Ala2826Thr). The alanine residue is weakly conserved and there is a small physicochemical difference between alanine and threonine. Algorithms developed to predict the effect of missense changes on protein structure and function are either unavailable or do not agree on the potential impact of this missense change (SIFT: "Tolerated"; PolyPhen-2: "Probably Damaging"; Align-GVGD: "Class C0"). In summary, the available evidence is currently insufficient to determine the role of this variant in disease. Therefore, it has been classified as a Variant of Uncertain Significance.